The following is an entry in ClinVar:

NM_016604.4(KDM3B):c.580+7A>G

Gene: KDM3B (lysine demethylase 3B; plus strand). Cytogenetic location: 5q31.2.
Variant type: single nucleotide variant.
Coding change: c.580+7A>G on transcript NM_016604.4 (MANE Select); 7 bases into the intron after coding-DNA position 580, A replaced by G.
Molecular consequence: intron variant.
Genome position (GRCh38, 1-based): chr5:138,377,832, A>G. VCF-style: chr5-138377832-A-G. GRCh37 (hg19) VCF-style: chr5-137713521-A-G.
Identifiers: ClinVar variation 3044100 (VCV003044100.2), dbSNP rs1246498637, ClinGen allele CA563283990.

ClinVar aggregate classification (germline): Likely benign (0 of 4 stars; one submission).

Conditions:
KDM3B-related disorder. Also called: KDM3B-related condition.

Allele frequency attached by ClinVar (database versions not stated): gnomAD exomes 0.00001.
gnomAD v4.1: 6 of 1,594,728 alleles (0.00038%); highest among the groups gnomAD compares: Non-Finnish European, 0.00052%; no homozygotes.

Submission:

PreventionGenetics, part of Exact Sciences
Classification: Likely benign for KDM3B-related condition. Last evaluated: 2023-07-20. Review status: no assertion criteria provided. Collection method: clinical testing. Allele origin: germline.
Comment: This variant is classified as likely benign based on ACMG/AMP sequence variant interpretation guidelines (Richards et al. 2015 PMID: 25741868, with internal and published modifications).